The following is an entry in ClinVar:

NM_014679.5(CEP57):c.556C>A (p.Leu186Ile)

Gene: CEP57 (centrosomal protein 57; plus strand). Cytogenetic location: 11q21.
Variant type: single nucleotide variant.
Coding change: c.556C>A on transcript NM_014679.5 (MANE Select); coding-DNA position 556, C replaced by A.
Protein change: p.Leu186Ile; replaces leucine 186 with isoleucine.
Molecular consequence: missense variant.
Genome position (GRCh38, 1-based): chr11:95,817,838, C>A. VCF-style: chr11-95817838-C-A. GRCh37 (hg19) VCF-style: chr11-95551002-C-A.
Other names: c.529C>A, p.Leu177Ile (NM_001243776.2); c.556C>A, p.Leu186Ile (NM_001243777.2); c.475C>A, p.Leu159Ile (NM_001363604.2); short protein forms L177I, L186I, L159I.
Identifiers: ClinVar variation 3831991 (VCV003831991.1).
Genomic context (GRCh38, chr11:95,817,838, plus strand): 5'-GTTTTTCAGGTTTCCCTAGAAAGAGAACGACAACATGATCAAACACATGTTCAGAGCCAA[C>A]TTGAAAAATTGGATCTTCTTGAACAGGAGTATAACAAACTTACCACAATGCAGGCCCTTG-3'
Protein context (NP_055494.2, residues 176-196): QHDQTHVQSQ[Leu186Ile]EKLDLLEQEY

ClinVar aggregate classification (germline): Uncertain significance (1 of 4 stars; one submission).

Conditions:
Inborn genetic diseases. Identifiers: MedGen C0950123, MeSH D030342.

gnomAD v4.1: 2 of 1,614,010 alleles (0.00012%); highest among the groups gnomAD compares: African/African-American, 0.0027%; no homozygotes.

Submission:

Ambry Genetics
Classification: Uncertain significance for Inborn genetic diseases. Last evaluated: 2025-02-09. Review status: criteria provided, single submitter. Criteria: Ambry Variant Classification Scheme 2023. Collection method: clinical testing. Allele origin: germline.
Comment: The p.L186I variant (also known as c.556C>A), located in coding exon 5 of the CEP57 gene, results from a C to A substitution at nucleotide position 556. The leucine at codon 186 is replaced by isoleucine, an amino acid with highly similar properties. This amino acid position is conserved. In addition, the in silico prediction for this alteration is inconclusive. Based on the available evidence, the clinical significance of this variant remains unclear.